The following is an entry in ClinVar:

ClinVar aggregate classification (germline): Pathogenic. Review status: criteria provided, multiple submitters, no conflicts (2 of 4 stars). 3 submissions from 3 submitters: Pathogenic (3). Last evaluated 2025-12-30.

Conditions:
DICER1-related tumor predisposition. Also called: DICER1-related pleuropulmonary blastoma cancer predisposition syndrome; DICER1 syndrome. Identifiers: Orphanet 284343, MedGen C3839822, MONDO:0100216.

Submissions (3):

GeneDx
Classification: Pathogenic. Last evaluated: 2025-12-30. Review status: criteria provided, single submitter. Criteria: GeneDx Variant Classification Process June 2021. Collection method: clinical testing. Allele origin: germline. Affected: yes.
Comment: Observed in a cystic nephroma, co-occurring with a DICER1 hotspot variant (PMID: 24481001); Frameshift variant predicted to result in protein truncation or nonsense mediated decay in a gene for which loss of function is a known mechanism of disease; Not observed at significant frequency in large population cohorts (gnomAD); This variant is associated with the following publications: (PMID: 24481001)

Labcorp Genetics (formerly Invitae), Labcorp
Classification: Pathogenic for DICER1-related tumor predisposition. Last evaluated: 2022-06-24. Review status: criteria provided, single submitter. Criteria: Invitae Variant Classification Sherloc (09022015). Collection method: clinical testing. Allele origin: germline.
Comment: For these reasons, this variant has been classified as Pathogenic. ClinVar contains an entry for this variant (Variation ID: 933101). This variant has not been reported in the literature in individuals affected with DICER1-related conditions. This variant is not present in population databases (gnomAD no frequency). This sequence change creates a premature translational stop signal (p.Val990Glyfs*10) in the DICER1 gene. It is expected to result in an absent or disrupted protein product. Loss-of-function variants in DICER1 are known to be pathogenic (PMID: 19556464, 21266384).

Foulkes Cancer Genetics LDI, Lady Davis Institute for Medical Research
Classification: Pathogenic for Pleuropulmonary blastoma. Last evaluated: 2019-07-01. Review status: criteria provided, single submitter. Criteria: ACMG Guidelines, 2015. Collection method: curation. Allele origin: germline. Affected: yes. Observed: 1 variant allele.
Comment: ACMG criteria met: PVS1, PM2, PP4

Literature cited by the submitters: PubMed 19556464 (cited by Labcorp Genetics (formerly Invitae), Labcorp); PubMed 21266384 (cited by Labcorp Genetics (formerly Invitae), Labcorp); PubMed 24481001 (cited by Foulkes Cancer Genetics LDI, Lady Davis Institute for Medical Research).

NM_177438.3(DICER1):c.2965_2968dup (p.Val990fs)

Gene: DICER1 (dicer 1, ribonuclease III; minus strand). Cytogenetic location: 14q32.13.
Variant type: Duplication.
Coding change: c.2965_2968dup on transcript NM_177438.3 (MANE Select); coding-DNA positions 2965 to 2968, 4 bases duplicated (GATG; older notation c.2965_2968dupGATG).
Protein change: p.Val990fs; shifts the reading frame from valine 990.
Molecular consequence: frameshift variant.
Genome position (GRCh38, 1-based): chr14:95,106,060-95,106,063, CATC duplicated on the plus strand (GATG on the coding strand, the reverse complement: DICER1 is on the minus strand); duplicating any 4 consecutive bases within chr14:95,106,060-95,106,065 gives the same sequence; the c. name uses the placement nearest the transcript's 3' end. VCF-style (leftmost placement, unchanged base first): chr14-95106059-A-ACATC. GRCh37 (hg19) VCF-style: chr14-95572396-A-ACATC.
Other names: c.2965_2968dupGATG (NM_177438.2); c.2965_2968dup, p.Val990fs (NM_001195573.1, NM_001271282.3, NM_001291628.2 and 1 more transcripts); c.2965_2968dup (NM_177438.2); short protein forms V990fs.
Identifiers: ClinVar variation 933101 (VCV000933101.10), dbSNP rs1891391133, ClinGen allele CA1139663646.
Genomic context (GRCh38, chr14:95,106,059, plus strand): 5'-TCCCTCAAGTGCAATCCAAGTGTCATCTCTGAAGCCCCTTACCTTGAAGATGTGTGGTCC[A>ACATC]CATCCAGCAGTGGCTGGTTGAGATTGGTTAGGTCAAGGTTGTACTTTGTTTTATAATATT-3'